The following is an entry in ClinVar:

ClinVar aggregate classification (germline): Uncertain significance (1 of 4 stars; one submission).

Conditions:
Hereditary cancer-predisposing syndrome. Also called: Neoplastic Syndromes, Hereditary; Tumor predisposition; Hereditary neoplastic syndrome; Hereditary Cancer Syndrome. Identifiers: Orphanet 140162, MedGen C0027672, MeSH D009386, MONDO:0015356.

Submission:

Ambry Genetics
Classification: Uncertain significance for Hereditary cancer-predisposing syndrome. Last evaluated: 2023-12-07. Review status: criteria provided, single submitter. Criteria: Ambry Variant Classification Scheme 2023. Collection method: clinical testing. Allele origin: germline.
Comment: The c.4658_4660delCTAinsTTG variant, also known as (p.T1553_S1554delinsIG) located in coding exon 10 of the BRCA2 gene, results from an in-frame deletion of CTA and insertion of TTG at nucleotide positions 4658 to 4660. This results in the substitution of the threonine and serine residues for isoleucine and glycine residues at codons 1553-1554. This amino acid region is not well conserved in available vertebrate species. In addition, the in silico prediction for this alteration is inconclusive (Choi Y et al. PLoS ONE. 2012; 7(10):e46688). Since supporting evidence is limited at this time, the clinical significance of this alteration remains unclear.

NM_000059.4(BRCA2):c.4658_4660delinsTTG (p.Thr1553_Ser1554delinsIleGly)

Gene: BRCA2 (BRCA2 DNA repair associated; plus strand). Cytogenetic location: 13q13.1.
Variant type: Indel.
Coding change: c.4658_4660delinsTTG on transcript NM_000059.4 (MANE Select); coding-DNA positions 4658 to 4660, CTA replaced by TTG.
Protein change: p.Thr1553_Ser1554delinsIleGly.
Molecular consequence: missense variant. On other transcripts: non-coding transcript variant (1), intron variant (2).
Genome position (GRCh38, 1-based): chr13:32,339,013-32,339,015, CTA replaced by TTG. VCF-style: chr13-32339013-CTA-TTG. GRCh37 (hg19) VCF-style: chr13-32913150-CTA-TTG.
Other names: c.4658_4660delinsTTG, p.Thr1553_Ser1554delinsIleGly (NM_001406719.1, NM_001406720.1); c.1910-5545_1910-5543delinsTTG (NM_001406721.1); c.425-5545_425-5543delinsTTG (NM_001406722.1).
Identifiers: ClinVar variation 3226971 (VCV003226971.1), dbSNP rs2548529002, ClinGen allele CA2825002145.